The following is an entry in ClinVar:

ClinVar aggregate classification (germline): Uncertain significance (1 of 4 stars; one submission).

Conditions:
Deficiency of ferroxidase (ACEP). Also called: NEURODEGENERATION WITH BRAIN IRON ACCUMULATION 10; Aceruloplasminemia; Ceruloplasmin deficiency; Familial apoceruloplasmin deficiency; Hereditary ceruloplasmin deficiency; Deficiency of ceruloplasmin. Identifiers: Orphanet 48818, MedGen C0878682, MONDO:0011426, OMIM 604290, HP:0025498.

gnomAD v4.1: 2 of 1,614,146 alleles (0.00012%); highest among the groups gnomAD compares: Non-Finnish European, 0.00017%; no homozygotes.

Submission:

Labcorp Genetics (formerly Invitae), Labcorp
Classification: Uncertain significance for Deficiency of ferroxidase. Last evaluated: 2021-05-10. Review status: criteria provided, single submitter. Criteria: Invitae Variant Classification Sherloc (09022015). Collection method: clinical testing. Allele origin: germline.
Comment: In summary, the available evidence is currently insufficient to determine the role of this variant in disease. Therefore, it has been classified as a Variant of Uncertain Significance. Algorithms developed to predict the effect of missense changes on protein structure and function output the following: SIFT: "Tolerated"; PolyPhen-2: "Benign"; Align-GVGD: "Class C0". The glutamine amino acid residue is found in multiple mammalian species, suggesting that this missense change does not adversely affect protein function. These predictions have not been confirmed by published functional studies and their clinical significance is uncertain. This sequence change replaces glutamic acid with glutamine at codon 438 of the CP protein (p.Glu438Gln). The glutamic acid residue is weakly conserved and there is a small physicochemical difference between glutamic acid and glutamine. This variant is not present in population databases (ExAC no frequency). This variant has not been reported in the literature in individuals with CP-related conditions.

NM_000096.4(CP):c.1312G>C (p.Glu438Gln)

Gene: CP (ceruloplasmin; minus strand). Cytogenetic location: 3q25.1.
Variant type: single nucleotide variant.
Coding change: c.1312G>C on transcript NM_000096.4 (MANE Select); coding-DNA position 1312, G replaced by C.
Protein change: p.Glu438Gln; replaces glutamic acid 438 with glutamine.
Molecular consequence: missense variant. On other transcripts: non-coding transcript variant (1).
Genome position (GRCh38, 1-based): chr3:149,202,138, C>G on the plus strand (G>C on the coding strand, the complement: CP is on the minus strand). VCF-style: chr3-149202138-C-G. GRCh37 (hg19) VCF-style: chr3-148919925-C-G.
Other names: short protein forms E438Q.
Identifiers: ClinVar variation 1437831 (VCV001437831.8), dbSNP rs2108277804, ClinGen allele CA354909835.
Genomic context (GRCh38, chr3:149,202,138, plus strand): 5'-CATATATATTCTGCAAGAACTCACCCAGGATGCCAAGATGCTCTTCTTCAGGGCCTCTCT[C>G]CTTTCGATTTGTGAAGGAGGCATCTGTGTACTCACGATAAACCAGCTTTTTATAAGAGCC-3'
Protein context (NP_000087.2, residues 428-448): YTDASFTNRK[Glu438Gln]RGPEEEHLGI